The following is an entry in ClinVar:

ClinVar aggregate classification (germline): Uncertain significance (1 of 4 stars; one submission).

Conditions:
Primary ciliary dyskinesia. Also called: Ciliary dyskinesia. Identifiers: Orphanet 244, MedGen C0008780, MONDO:0016575, HP:0012265.

Allele frequency attached by ClinVar (database versions not stated): gnomAD 0.00001; gnomAD exomes 0.00001; TOPMed 0.00001.
gnomAD v4.1: 10 of 1,586,146 alleles (0.00063%); highest among the groups gnomAD compares: South Asian, 0.0046%; no homozygotes.

Submission:

Labcorp Genetics (formerly Invitae), Labcorp
Classification: Uncertain significance for Primary ciliary dyskinesia. Last evaluated: 2024-11-19. Review status: criteria provided, single submitter. Criteria: Invitae Variant Classification Sherloc (09022015). Collection method: clinical testing. Allele origin: germline.
Comment: This sequence change replaces arginine, which is basic and polar, with glutamine, which is neutral and polar, at codon 2722 of the DNAH8 protein (p.Arg2722Gln). This variant is present in population databases (no rsID available, gnomAD 0.004%). This variant has not been reported in the literature in individuals affected with DNAH8-related conditions. ClinVar contains an entry for this variant (Variation ID: 1377570). Invitae Evidence Modeling of protein sequence and biophysical properties (such as structural, functional, and spatial information, amino acid conservation, physicochemical variation, residue mobility, and thermodynamic stability) indicates that this missense variant is expected to disrupt DNAH8 protein function with a positive predictive value of 80%. In summary, the available evidence is currently insufficient to determine the role of this variant in disease. Therefore, it has been classified as a Variant of Uncertain Significance.

NM_001206927.2(DNAH8):c.8165G>A (p.Arg2722Gln)

Gene: DNAH8 (dynein axonemal heavy chain 8; plus strand). Cytogenetic location: 6p21.2.
Variant type: single nucleotide variant.
Coding change: c.8165G>A on transcript NM_001206927.2 (MANE Select); coding-DNA position 8165, G replaced by A.
Protein change: p.Arg2722Gln; replaces arginine 2722 with glutamine.
Molecular consequence: missense variant.
Genome position (GRCh38, 1-based): chr6:38,883,904, G>A. VCF-style: chr6-38883904-G-A. GRCh37 (hg19) VCF-style: chr6-38851680-G-A.
Other names: c.7514G>A, p.Arg2505Gln (NM_001371.4); short protein forms R2722Q, R2505Q.
Identifiers: ClinVar variation 1377570 (VCV001377570.5), dbSNP rs1330298296, ClinGen allele CA363992138.